The following is an entry in ClinVar:

NC_000011.10:g.2003381T>C

Genes: H19 (H19 imprinted maternally expressed transcript; minus strand), H19-ICR (H19/IGF2 imprinting control region; plus strand), MRPL23 (mitochondrial ribosomal protein L23; plus strand). Cytogenetic location: 11p15.5.
Variant type: single nucleotide variant.
Molecular consequence: intron variant (on NM_001400176.1).
Genome position: GRCh38 VCF-style: chr11-2003381-T-C. GRCh37 (hg19) VCF-style: chr11-2024611-T-C.
Other names: c.498-8160T>C (NM_001400176.1).
Identifiers: ClinVar variation 4984422 (VCV004984422.1).

ClinVar aggregate classification (germline): Likely benign (1 of 4 stars; one submission).

Conditions:
H19-related disorder. Also called: H19-related condition.

Submission:

PreventionGenetics, part of Exact Sciences
Classification: Likely benign for H19-related condition. Last evaluated: 2024-11-09. Review status: criteria provided, single submitter. Criteria: ACMG Guidelines, 2015. Collection method: clinical testing. Allele origin: germline.
Comment: This variant is classified as likely benign based on ACMG/AMP sequence variant interpretation guidelines (Richards et al. 2015 PMID: 25741868, with internal and published modifications).